The following is an entry in ClinVar:

ClinVar aggregate classification (germline): Uncertain significance. Review status: criteria provided, multiple submitters, no conflicts (2 of 4 stars). 2 submissions from 2 submitters: Uncertain significance (2). Last evaluated 2025-03-10.

Conditions:
Plasminogen deficiency, type I. Also called: Hypoplasminogenemia; Type 1 plasminogen deficiency. Identifiers: Orphanet 722, MedGen C1968804, MONDO:0009009, OMIM 217090.
Angioedema, hereditary, 4. Identifiers: MedGen C5543503, MONDO:0025712, OMIM 619360.

Allele frequency attached by ClinVar (database versions not stated): TOPMed 0.00012; ESP Exome Variant Server 0.00015; gnomAD exomes 0.00001; ExAC 0.00004; gnomAD 0.00011; 1000 Genomes Project 30x 0.00031; 1000 Genomes Project 0.00040.
gnomAD v4.1: 25 of 1,608,122 alleles (0.0016%); highest among the groups gnomAD compares: African/African-American, 0.028%; no homozygotes.

Submissions (2):

Labcorp Genetics (formerly Invitae), Labcorp
Classification: Uncertain significance. Last evaluated: 2025-03-10. Review status: criteria provided, single submitter. Criteria: Invitae Variant Classification Sherloc (09022015). Collection method: clinical testing. Allele origin: germline.
Comment: This sequence change replaces aspartic acid, which is acidic and polar, with glutamic acid, which is acidic and polar, at codon 156 of the PLG protein (p.Asp156Glu). This variant is present in population databases (rs146415258, gnomAD 0.03%). This missense change has been observed in individual(s) with hypertension associated thrombotic microangiopathy (PMID: 37103770). ClinVar contains an entry for this variant (Variation ID: 2416490). Invitae Evidence Modeling of protein sequence and biophysical properties (such as structural, functional, and spatial information, amino acid conservation, physicochemical variation, residue mobility, and thermodynamic stability) indicates that this missense variant is not expected to disrupt PLG protein function with a negative predictive value of 95%. In summary, the available evidence is currently insufficient to determine the role of this variant in disease. Therefore, it has been classified as a Variant of Uncertain Significance.

Fulgent Genetics
Classification: Uncertain significance for Plasminogen deficiency, type I; Angioedema, hereditary, 4. Last evaluated: 2024-03-02. Review status: criteria provided, single submitter. Criteria: ACMG Guidelines, 2015. Collection method: clinical testing. Allele origin: germline.

Literature cited by the submitters: PubMed 37103770 (cited by Labcorp Genetics (formerly Invitae), Labcorp).

NM_000301.5(PLG):c.468C>A (p.Asp156Glu)

Gene: PLG (plasminogen; plus strand). Cytogenetic location: 6q26.
Variant type: single nucleotide variant.
Coding change: c.468C>A on transcript NM_000301.5 (MANE Select); coding-DNA position 468, C replaced by A.
Protein change: p.Asp156Glu; replaces aspartic acid 156 with glutamic acid.
Molecular consequence: missense variant.
Genome position (GRCh38, 1-based): chr6:160,713,046, C>A. VCF-style: chr6-160713046-C-A. GRCh37 (hg19) VCF-style: chr6-161134078-C-A.
Other names: short protein forms D156E.
Identifiers: ClinVar variation 2416490 (VCV002416490.7), dbSNP rs146415258, ClinGen allele CA4087449.